The following is an entry in ClinVar:

ClinVar aggregate classification (germline): Uncertain significance (1 of 4 stars; one submission).

Submission:

GeneDx
Classification: Uncertain significance. Last evaluated: 2022-05-10. Review status: criteria provided, single submitter. Criteria: GeneDx Variant Classification Process June 2021. Collection method: clinical testing. Allele origin: germline. Affected: yes.
Comment: Not observed at significant frequency in large population cohorts (gnomAD); In silico analysis supports that this missense variant has a deleterious effect on protein structure/function; Has not been previously published as pathogenic or benign to our knowledge

NM_001458.5(FLNC):c.701T>G (p.Val234Gly)

Gene: FLNC (filamin C; plus strand). Cytogenetic location: 7q32.1.
Variant type: single nucleotide variant.
Coding change: c.701T>G on transcript NM_001458.5 (MANE Select); coding-DNA position 701, T replaced by G.
Protein change: p.Val234Gly; replaces valine 234 with glycine.
Molecular consequence: missense variant.
Genome position (GRCh38, 1-based): chr7:128,837,399, T>G. VCF-style: chr7-128837399-T-G. GRCh37 (hg19) VCF-style: chr7-128477453-T-G.
Other names: c.701T>G, p.Val234Gly (NM_001127487.2); short protein forms V234G.
Identifiers: ClinVar variation 1723749 (VCV001723749.2), dbSNP rs2536618209, ClinGen allele CA369221837.